The following is an entry in ClinVar:

NM_139076.3(ABRAXAS1):c.586C>T (p.Gln196Ter)

Gene: ABRAXAS1 (abraxas 1, BRCA1 A complex subunit; minus strand). Cytogenetic location: 4q21.23.
Variant type: single nucleotide variant.
Coding change: c.586C>T on transcript NM_139076.3 (MANE Select); coding-DNA position 586, C replaced by T.
Protein change: p.Gln196Ter; replaces glutamine 196 with a stop codon.
Molecular consequence: nonsense.
Genome position (GRCh38, 1-based): chr4:83,469,042, G>A on the plus strand (C>T on the coding strand, the complement: ABRAXAS1 is on the minus strand). VCF-style: chr4-83469042-G-A. GRCh37 (hg19) VCF-style: chr4-84390195-G-A.
Other names: c.259C>T, p.Gln87Ter (NM_001345962.2); short protein forms Q196*, Q87*.
Identifiers: ClinVar variation 1979679 (VCV001979679.4), dbSNP rs1453713620, ClinGen allele CA357259369.

ClinVar aggregate classification (germline): Uncertain significance (1 of 4 stars; one submission).

Allele frequency attached by ClinVar (database versions not stated): TOPMed below 0.00001; gnomAD 0.00001; gnomAD exomes 0.00001.
gnomAD v4.1: 9 of 1,612,780 alleles (0.00056%); highest among the groups gnomAD compares: Non-Finnish European, 0.00068%; no homozygotes.

Submission:

Labcorp Genetics (formerly Invitae), Labcorp
Classification: Uncertain significance. Last evaluated: 2024-04-22. Review status: criteria provided, single submitter. Criteria: Invitae Variant Classification Sherloc (09022015). Collection method: clinical testing. Allele origin: germline.
Comment: This sequence change creates a premature translational stop signal (p.Gln196*) in the ABRAXAS1 gene. It is expected to result in an absent or disrupted protein product. However, the current clinical and genetic evidence is not sufficient to establish whether loss-of-function variants in ABRAXAS1 cause disease. This variant is present in population databases (no rsID available, gnomAD 0.0009%). This variant has not been reported in the literature in individuals affected with ABRAXAS1-related conditions. ClinVar contains an entry for this variant (Variation ID: 1979679). Algorithms developed to predict the effect of sequence changes on RNA splicing suggest that this variant may disrupt the consensus splice site. In summary, the available evidence is currently insufficient to determine the role of this variant in disease. Therefore, it has been classified as a Variant of Uncertain Significance.